The following is an entry in ClinVar:

ClinVar aggregate classification (germline): Uncertain significance (1 of 4 stars; one submission).

Conditions:
Idiopathic generalized epilepsy. Also called: EIG; Generalised epilepsy. Identifiers: MedGen C0270850, MONDO:0005579, OMIM 600669.

Allele frequency attached by ClinVar (database versions not stated): TOPMed below 0.00001; gnomAD 0.00001.
gnomAD v4.1: 16 of 1,560,130 alleles (0.001%); highest among the groups gnomAD compares: Admixed American, 0.0037%; no homozygotes.

Submission:

Labcorp Genetics (formerly Invitae), Labcorp
Classification: Uncertain significance for Idiopathic generalized epilepsy. Last evaluated: 2022-10-17. Review status: criteria provided, single submitter. Criteria: Invitae Variant Classification Sherloc (09022015). Collection method: clinical testing. Allele origin: germline.
Comment: This sequence change replaces proline, which is neutral and non-polar, with leucine, which is neutral and non-polar, at codon 309 of the RBFOX1 protein (p.Pro309Leu). This variant is present in population databases (no rsID available, gnomAD 0.02%). This variant has not been reported in the literature in individuals affected with RBFOX1-related conditions. Advanced modeling of protein sequence and biophysical properties (such as structural, functional, and spatial information, amino acid conservation, physicochemical variation, residue mobility, and thermodynamic stability) performed at Invitae indicates that this missense variant is not expected to disrupt RBFOX1 protein function. In summary, the available evidence is currently insufficient to determine the role of this variant in disease. Therefore, it has been classified as a Variant of Uncertain Significance.

NM_018723.4(RBFOX1):c.866C>T (p.Pro289Leu)

Gene: RBFOX1 (RNA binding fox-1 homolog 1; plus strand). Cytogenetic location: 16p13.3.
Variant type: single nucleotide variant.
Coding change: c.866C>T on transcript NM_018723.4 (MANE Select); coding-DNA position 866, C replaced by T.
Protein change: p.Pro289Leu; replaces proline 289 with leucine.
Molecular consequence: missense variant.
Genome position (GRCh38, 1-based): chr16:7,653,923, C>T. VCF-style: chr16-7653923-C-T. GRCh37 (hg19) VCF-style: chr16-7703925-C-T.
Other names: c.785C>T, p.Pro262Leu (NM_001142333.2); c.866C>T, p.Pro289Leu (NM_001142334.2, NM_001364800.2); c.995C>T, p.Pro332Leu (NM_001308117.1, NM_001411047.1, NM_001415891.1 and 1 more transcripts); c.1463C>T, p.Pro488Leu (NM_001415887.1); c.1382C>T, p.Pro461Leu (NM_001415888.1); c.974C>T, p.Pro325Leu (NM_001415889.1, NM_001415892.1, NM_001415894.1 and 1 more transcripts); c.941C>T, p.Pro314Leu (NM_001415890.1, NM_001415893.1, NM_001415899.1 and 1 more transcripts); c.926C>T, p.Pro309Leu (NM_001415896.1, NM_001415904.1, NM_145891.3 and 2 more transcripts); and 12 more; short protein forms P291L, P298L, P461L, P262L, P282L, P283L, P294L, P325L.
Identifiers: ClinVar variation 1951252 (VCV001951252.5), dbSNP rs1282113144, ClinGen allele CA394683706.
Genomic context (GRCh38, chr16:7,653,923, plus strand): 5'-GGGCGCACCTGCGAGGCCGCGGTCGCACCGTGTACAACACCTTCAGGGCCGCGGCGCCCC[C>T]GCCCCCGATCCCGGCCTACGGCGGGTAAGTGGGGCAGCCTCCTGGGTGGGCCTCCCTGCA-3'
Protein context (NP_061193.2, residues 279-299): VYNTFRAAAP[Pro289Leu]PPIPAYGGVV